The following is an entry in ClinVar:

ClinVar aggregate classification (germline): Uncertain significance (1 of 4 stars; one submission).

Conditions:
Pilarowski-Bjornsson syndrome. Also called: DEVELOPMENTAL DELAY AND SPEECH APRAXIA WITH OR WITHOUT SEIZURES. Identifiers: Orphanet 529965, MedGen C4540131, MONDO:0060568, OMIM 617682.

Submission:

3billion
Classification: Uncertain significance for Pilarowski-Bjornsson syndrome. Last evaluated: 2025-11-08. Review status: criteria provided, single submitter. Criteria: ACMG Guidelines, 2015. Collection method: clinical testing. Allele origin: germline. Affected: yes.
Comment: The variant is not observed in the gnomAD v4.1.0 dataset. Predicted Consequence/Location: Canonical splice site: splice region variant predicted in silico to alter splicing and create an in-frame deletion. However, functional studies should be performed to observe the exact consequence. In silico tools predict the variant to alter splicing and produce an abnormal transcript [SpliceAI: 1.00 (spliceogenicity >=0.2, non-spliceogenicity <0.1)]. Therefore, this variant is classified as VUS according to the recommendation of ACMG/AMP guideline.

NM_001270.4(CHD1):c.4248+1G>T

Gene: CHD1 (chromodomain helicase DNA binding protein 1; minus strand). Cytogenetic location: 5q15.
Variant type: single nucleotide variant.
Coding change: c.4248+1G>T on transcript NM_001270.4 (MANE Select); the canonical splice donor site of the intron after coding-DNA position 4248, G replaced by T.
Molecular consequence: splice donor variant.
Genome position (GRCh38, 1-based): chr5:98,868,494, C>A on the plus strand (G>T on the coding strand, the complement: CHD1 is on the minus strand). VCF-style: chr5-98868494-C-A. GRCh37 (hg19) VCF-style: chr5-98204198-C-A.
Other names: c.4248+1G>T (NM_001376194.2); c.4512+1G>T (NM_001364113.3).
Identifiers: ClinVar variation 4855149 (VCV004855149.1).